The following is an entry in ClinVar:

NM_003579.4(RAD54L):c.1666G>C (p.Val556Leu)

Gene: RAD54L (RAD54 like; plus strand). Cytogenetic location: 1p34.1.
Variant type: single nucleotide variant.
Coding change: c.1666G>C on transcript NM_003579.4 (MANE Select); coding-DNA position 1666, G replaced by C.
Protein change: p.Val556Leu; replaces valine 556 with leucine.
Molecular consequence: missense variant.
Genome position (GRCh38, 1-based): chr1:46,274,193, G>C. VCF-style: chr1-46274193-G-C. GRCh37 (hg19) VCF-style: chr1-46739865-G-C.
Other names: c.1666G>C, p.Val556Leu (NM_001142548.2); c.1126G>C, p.Val376Leu (NM_001370766.1); short protein forms V376L, V556L.
Identifiers: ClinVar variation 1777578 (VCV001777578.2), dbSNP rs995663660, ClinGen allele CA21898191.

ClinVar aggregate classification (germline): Uncertain significance (1 of 4 stars; one submission).

Allele frequency attached by ClinVar (database versions not stated): gnomAD 0.00001; TOPMed 0.00001.
gnomAD v4.1: 30 of 1,613,446 alleles (0.0019%); highest among the groups gnomAD compares: Non-Finnish European, 0.0025%; no homozygotes.

Submission:

Ambry Genetics
Classification: Uncertain significance. Last evaluated: 2023-12-24. Review status: criteria provided, single submitter. Criteria: Ambry Variant Classification Scheme 2023. Collection method: clinical testing. Allele origin: germline.
Comment: The p.V556L variant (also known as c.1666G>C), located in coding exon 15 of the RAD54L gene, results from a G to C substitution at nucleotide position 1666. The valine at codon 556 is replaced by leucine, an amino acid with highly similar properties. This amino acid position is conserved. In addition, the in silico prediction for this alteration is inconclusive. Since supporting evidence is limited at this time, the clinical significance of this alteration remains unclear.